The following is an entry in ClinVar:

ClinVar aggregate classification (germline): Uncertain significance (1 of 4 stars; one submission).

Submission:

ARUP Laboratories, Molecular Genetics and Genomics, ARUP Laboratories
Classification: Uncertain significance. Last evaluated: 2020-04-23. Review status: criteria provided, single submitter. Criteria: ARUP Molecular Germline Variant Investigation Process. Collection method: clinical testing. Allele origin: germline.
Comment: The FLNB c.1748-6C>G variant, to our knowledge, is not reported in the medical literature or gene-specific databases. This variant is also absent from general population databases (Exome Variant Server, Genome Aggregation Database), indicating it is not a common polymorphism. This is an intronic variant in a moderately conserved nucleotide, and computational analyses (Alamut v.2.11) predict that this variant may impact splicing by weakening the nearby canonical acceptor splice site. However, given the lack of clinical and functional data, the significance of the c.1748-6C>G variant is uncertain at this time.

NM_001457.4(FLNB):c.1748-6C>G

Gene: FLNB (filamin B; plus strand). Cytogenetic location: 3p14.3.
Variant type: single nucleotide variant.
Coding change: c.1748-6C>G on transcript NM_001457.4 (MANE Select); 6 bases into the intron before coding-DNA position 1748, C replaced by G.
Molecular consequence: intron variant.
Genome position (GRCh38, 1-based): chr3:58,106,674, C>G. VCF-style: chr3-58106674-C-G. GRCh37 (hg19) VCF-style: chr3-58092401-C-G.
Other names: c.1748-6C>G (NM_001164317.2, NM_001164318.2, NM_001164319.2).
Identifiers: ClinVar variation 994139 (VCV000994139.8), dbSNP rs2097260334, ClinGen allele CA1139658137.